The following is an entry in ClinVar:

NM_001009944.3(PKD1):c.9397+5G>A

Gene: PKD1 (polycystin 1, transient receptor potential channel interacting; minus strand). Cytogenetic location: 16p13.3.
Variant type: single nucleotide variant.
Coding change: c.9397+5G>A on transcript NM_001009944.3 (MANE Select); 5 bases into the intron after coding-DNA position 9397, G replaced by A.
Molecular consequence: intron variant.
Genome position (GRCh38, 1-based): chr16:2,102,056, C>T on the plus strand (G>A on the coding strand, the complement: PKD1 is on the minus strand). VCF-style: chr16-2102056-C-T. GRCh37 (hg19) VCF-style: chr16-2152057-C-T.
Other names: c.9397+5G>A (NM_000296.4).
Identifiers: ClinVar variation 4855684 (VCV004855684.1).

ClinVar aggregate classification (germline): Uncertain significance (1 of 4 stars; one submission).

Conditions:
Polycystic kidney disease, adult type (PKD1). Also called: Polycystic Kidney, Autosomal Dominant; POLYCYSTIC KIDNEY DISEASE, ADULT, TYPE I; Polycystic Kidney Disease 1, Autosomal Dominant; Polycystic kidney disease 1; Polycystic kidney disease 1, severe; POLYCYSTIC KIDNEY DISEASE 1 WITH OR WITHOUT POLYCYSTIC LIVER DISEASE. Identifiers: MedGen C3149841, MONDO:0008263, OMIM 173900.

Submission:

3billion
Classification: Uncertain significance for Polycystic kidney disease, adult type. Last evaluated: 2026-01-22. Review status: criteria provided, single submitter. Criteria: ACMG Guidelines, 2015. Collection method: clinical testing. Allele origin: germline. Affected: yes.
Comment: The variant is not observed in the gnomAD v4.1.0 dataset. Predicted Consequence/Location: Intron variant In silico tools predict the variant to alter splicing and produce an abnormal transcript [SpliceAI: 0.29 (>=0.2, moderate evidence for spliceogenicity)]. Therefore, this variant is classified as VUS according to the recommendation of ACMG/AMP guideline.